The following is an entry in ClinVar:

ClinVar aggregate classification (germline): Benign/Likely benign. Review status: criteria provided, multiple submitters, no conflicts (2 of 4 stars). 4 submissions from 4 submitters: Benign (1); Likely benign (3). Last evaluated 2024-08-30.

Conditions:
Familial cancer of breast. Also called: BREAST CANCER, FAMILIAL; hereditary breast carcinoma; Hereditary breast cancer. Identifiers: Orphanet 227535, MedGen C0346153, MONDO:0016419, OMIM 114480. Disease mechanism: loss of function.
Fanconi anemia complementation group J. Also called: BRIP1-Related Fanconi Anemia. Identifiers: Orphanet 84, MedGen C1836860, MONDO:0012187, OMIM 609054.
Hereditary cancer-predisposing syndrome. Also called: Tumor predisposition; Neoplastic Syndromes, Hereditary; Hereditary Cancer Syndrome; Hereditary neoplastic syndrome. Identifiers: Orphanet 140162, MedGen C0027672, MeSH D009386, MONDO:0015356.

Allele frequency attached by ClinVar (database versions not stated): gnomAD exomes below 0.00001; ExAC 0.00001.

Submissions (4):

Myriad Genetics, Inc.
Classification: Benign for Familial cancer of breast. Last evaluated: 2024-08-30. Review status: criteria provided, single submitter. Criteria: Myriad Autosomal Dominant, Autosomal Recessive and X-Linked Classification Criteria (2023). Collection method: clinical testing. Allele origin: unknown.
Comment: This variant is considered benign. This variant is a silent/synonymous amino acid change and it is not expected to impact splicing.

Labcorp Genetics (formerly Invitae), Labcorp
Classification: Likely benign for Familial cancer of breast; Fanconi anemia complementation group J. Last evaluated: 2024-05-23. Review status: criteria provided, single submitter. Criteria: Invitae Variant Classification Sherloc (09022015). Collection method: clinical testing. Allele origin: germline.

Ambry Genetics
Classification: Likely benign for Hereditary cancer-predisposing syndrome. Last evaluated: 2019-11-25. Review status: criteria provided, single submitter. Criteria: Ambry Variant Classification Scheme 2023. Collection method: clinical testing. Allele origin: germline.

GeneDx
Classification: Likely benign. Last evaluated: 2017-01-02. Review status: criteria provided, single submitter. Criteria: GeneDx Variant Classification (06012015). Collection method: clinical testing. Allele origin: germline. Affected: yes.
Comment: This variant is considered likely benign or benign based on one or more of the following criteria: it is a conservative change, it occurs at a poorly conserved position in the protein, it is predicted to be benign by multiple in silico algorithms, and/or has population frequency not consistent with disease.

NM_032043.3(BRIP1):c.1903C>T (p.Leu635=)

Gene: BRIP1 (BRCA1 interacting DNA helicase 1; minus strand). Cytogenetic location: 17q23.2.
Variant type: single nucleotide variant.
Coding change: c.1903C>T on transcript NM_032043.3 (MANE Select); coding-DNA position 1903, C replaced by T.
Protein change: p.Leu635=; no amino-acid change (leucine 635 retained).
Molecular consequence: synonymous variant.
Genome position (GRCh38, 1-based): chr17:61,780,293, G>A on the plus strand (C>T on the coding strand, the complement: BRIP1 is on the minus strand). VCF-style: chr17-61780293-G-A. GRCh37 (hg19) VCF-style: chr17-59857654-G-A.
Identifiers: ClinVar variation 392653 (VCV000392653.16), dbSNP rs754280136, ClinGen allele CA8690636.